The following is an entry in ClinVar:

NM_182493.3(MYLK3):c.1537T>G (p.Tyr513Asp)

Gene: MYLK3 (myosin light chain kinase 3; minus strand). Cytogenetic location: 16q11.2.
Variant type: single nucleotide variant.
Coding change: c.1537T>G on transcript NM_182493.3 (MANE Select); coding-DNA position 1537, T replaced by G.
Protein change: p.Tyr513Asp; replaces tyrosine 513 with aspartic acid.
Molecular consequence: missense variant.
Genome position (GRCh38, 1-based): chr16:46,730,624, A>C on the plus strand (T>G on the coding strand, the complement: MYLK3 is on the minus strand). VCF-style: chr16-46730624-A-C. GRCh37 (hg19) VCF-style: chr16-46764536-A-C.
Other names: c.514T>G, p.Tyr172Asp (NM_001308301.1); short protein forms Y172D, Y513D.
Identifiers: ClinVar variation 1386804 (VCV001386804.6), dbSNP rs2143014857, ClinGen allele CA395791680.
Genomic context (GRCh38, chr16:46,730,624, plus strand): 5'-CCCCCCAACCAAGGCAGATGCCCACCTACCCTCCCAAGACTTCGTGCTGGCACACCTCGT[A>C]ACCCGCAGAGATGGAGGTCTCCTTGACGCTCACTACCCGGTGTTCAAAAGGAGCTGGTGG-3'
Protein context (NP_872299.2, residues 503-523): SVKETSISAG[Tyr513Asp]EVCQHEVLGG

ClinVar aggregate classification (germline): Uncertain significance (1 of 4 stars; one submission).

Submission:

Labcorp Genetics (formerly Invitae), Labcorp
Classification: Uncertain significance. Last evaluated: 2021-10-14. Review status: criteria provided, single submitter. Criteria: Invitae Variant Classification Sherloc (09022015). Collection method: clinical testing. Allele origin: germline.
Comment: In summary, the available evidence is currently insufficient to determine the role of this variant in disease. Therefore, it has been classified as a Variant of Uncertain Significance. Algorithms developed to predict the effect of missense changes on protein structure and function are either unavailable or do not agree on the potential impact of this missense change (SIFT: "Tolerated"; PolyPhen-2: "Probably Damaging"; Align-GVGD: "Class C0"). This variant has not been reported in the literature in individuals affected with MYLK3-related conditions. This variant is not present in population databases (ExAC no frequency). This sequence change replaces tyrosine with aspartic acid at codon 513 of the MYLK3 protein (p.Tyr513Asp). The tyrosine residue is highly conserved and there is a large physicochemical difference between tyrosine and aspartic acid.